The following is an entry in ClinVar:

ClinVar aggregate classification (germline): Conflicting classifications of pathogenicity. Review status: criteria provided, conflicting classifications (1 of 4 stars). 2 submissions from 2 submitters: Uncertain significance (1); Likely benign (1). Last evaluated 2025-05-30.

Conditions:
Familial adenomatous polyposis 1 (FAP1). Also called: FAMILIAL ADENOMATOUS POLYPOSIS 1, ATTENUATED; POLYPOSIS, ADENOMATOUS INTESTINAL. Identifiers: MedGen C2713442, MONDO:0021056, OMIM 175100. Disease mechanism: loss of function.
Hereditary cancer-predisposing syndrome. Also called: Hereditary neoplastic syndrome; Tumor predisposition; Neoplastic Syndromes, Hereditary; Hereditary Cancer Syndrome. Identifiers: Orphanet 140162, MedGen C0027672, MeSH D009386, MONDO:0015356.

Allele frequency attached by ClinVar (database versions not stated): gnomAD exomes below 0.00001.
gnomAD v4.1: 2 of 1,609,804 alleles (0.00012%); highest among the groups gnomAD compares: Non-Finnish European, 0.00017%; no homozygotes.

Submissions (2):

Labcorp Genetics (formerly Invitae), Labcorp
Classification: Uncertain significance for Familial adenomatous polyposis 1. Last evaluated: 2025-05-30. Review status: criteria provided, single submitter. Criteria: Invitae Variant Classification Sherloc (09022015). Collection method: clinical testing. Allele origin: germline.
Comment: This sequence change falls in intron 7 of the APC gene. It does not directly change the encoded amino acid sequence of the APC protein. It affects a nucleotide within the consensus splice site. This variant is not present in population databases (gnomAD no frequency). This variant has not been reported in the literature in individuals affected with APC-related conditions. ClinVar contains an entry for this variant (Variation ID: 1501160). Variants that disrupt the consensus splice site are a relatively common cause of aberrant splicing (PMID: 17576681, 9536098). Studies have shown that this variant is associated with inconclusive levels of altered splicing (internal data). In summary, the available evidence is currently insufficient to determine the role of this variant in disease. Therefore, it has been classified as a Variant of Uncertain Significance.

Ambry Genetics
Classification: Likely benign for Hereditary cancer-predisposing syndrome. Last evaluated: 2023-09-16. Review status: criteria provided, single submitter. Criteria: Ambry Variant Classification Scheme 2023. Collection method: clinical testing. Allele origin: germline.

Literature cited by the submitters: PubMed 17576681 (cited by Labcorp Genetics (formerly Invitae), Labcorp); PubMed 9536098 (cited by Labcorp Genetics (formerly Invitae), Labcorp).

NM_000038.6(APC):c.729+3T>C

Gene: APC (APC regulator of Wnt signaling pathway; plus strand). Cytogenetic location: 5q22.2.
Variant type: single nucleotide variant.
Coding change: c.729+3T>C on transcript NM_000038.6 (MANE Select); 3 bases into the intron after coding-DNA position 729, T replaced by C.
Molecular consequence: intron variant.
Genome position (GRCh38, 1-based): chr5:112,792,532, T>C. VCF-style: chr5-112792532-T-C. GRCh37 (hg19) VCF-style: chr5-112128229-T-C.
Other names: c.729+3T>C (NM_001354895.2, NM_001127510.3, NM_001354896.2 and 1 more transcripts); c.759+3T>C (NM_001354897.2, NM_001354902.2); c.676-8747T>C (NM_001127511.3); c.654+3T>C (NM_001354898.2, NM_001354904.2); c.-307+3T>C (NM_001354906.2); c.646-8747T>C (NM_001354899.2); c.552+3T>C (NM_001354900.2, NM_001354901.2, NM_001354905.2).
Identifiers: ClinVar variation 1501160 (VCV001501160.8), dbSNP rs1554074811, ClinGen allele CA2537935448.
Genomic context (GRCh38, chr5:112,792,532, plus strand): 5'-CGAAAAGGACATACTTCGTATACGACAGCTTTTACAGTCCCAAGCAACAGAAGCAGAGGT[T>C]AGTAAATTGCCTTTCTTGTTTGTGGGTATAAAAATAGGTAGTTATTCTGAGAAAAGAAAA-3'